The following is an entry in ClinVar:

NM_001042492.3(NF1):c.4433T>C (p.Phe1478Ser)

Gene: NF1 (neurofibromin 1; plus strand). Cytogenetic location: 17q11.2.
Variant type: single nucleotide variant.
Coding change: c.4433T>C on transcript NM_001042492.3 (MANE Select); coding-DNA position 4433, T replaced by C.
Protein change: p.Phe1478Ser; replaces phenylalanine 1478 with serine.
Molecular consequence: missense variant.
Genome position (GRCh38, 1-based): chr17:31,260,371, T>C. VCF-style: chr17-31260371-T-C. GRCh37 (hg19) VCF-style: chr17-29587389-T-C.
Other names: c.4370T>C, p.Phe1457Ser (NM_000267.4); short protein forms F1457S, F1478S.
Identifiers: ClinVar variation 3237782 (VCV003237782.1), dbSNP rs1597746900.

ClinVar aggregate classification (germline): Uncertain significance (1 of 4 stars; one submission).

Conditions:
Hereditary cancer-predisposing syndrome. Also called: Neoplastic Syndromes, Hereditary; Tumor predisposition; Hereditary neoplastic syndrome; Hereditary Cancer Syndrome. Identifiers: Orphanet 140162, MedGen C0027672, MeSH D009386, MONDO:0015356.
Cardiovascular phenotype. Identifiers: MedGen CN230736.

Submission:

Ambry Genetics
Classification: Uncertain significance for Cardiovascular phenotype; Hereditary cancer-predisposing syndrome. Last evaluated: 2023-11-29. Review status: criteria provided, single submitter. Criteria: Ambry Variant Classification Scheme 2023. Collection method: clinical testing. Allele origin: germline.
Comment: The p.F1457S variant (also known as c.4370T>C), located in coding exon 33 of the NF1 gene, results from a T to C substitution at nucleotide position 4370. The phenylalanine at codon 1457 is replaced by serine, an amino acid with highly dissimilar properties. This amino acid position is highly conserved in available vertebrate species. In addition, this alteration is predicted to be deleterious by in silico analysis. Since supporting evidence is limited at this time, the clinical significance of this alteration remains unclear.